The following is an entry in ClinVar:

ClinVar aggregate classification (germline): Conflicting classifications of pathogenicity. Review status: criteria provided, conflicting classifications (1 of 4 stars). 5 submissions from 4 submitters: Likely pathogenic (2); Uncertain significance (2). 1 of the submissions does not count toward it. Last evaluated 2023-03-16.

Conditions:
Transitory neonatal diabetes mellitus. Also called: Transient neonatal diabetes mellitus. Identifiers: MedGen C0342273, MONDO:0020525, HP:0008255.
Maturity-onset diabetes of the young (MODY). Also called: Maturity onset diabetes mellitus in young. Identifiers: Orphanet 552, MedGen C0342276, MONDO:0018911, HP:0004904.
Type 2 diabetes mellitus. Also called: Type II diabetes mellitus. Identifiers: MedGen C0011860, MeSH D003924, MONDO:0005148, OMIM 125853, HP:0005978.
Hereditary hyperinsulinism.

Allele frequency attached by ClinVar (database versions not stated): TOPMed below 0.00001.

Submissions (5):

Baylor Genetics
Classification: Likely pathogenic for Type 2 diabetes mellitus. Last evaluated: 2023-03-16. Review status: criteria provided, single submitter. Criteria: ACMG Guidelines, 2015. Collection method: clinical testing. Allele origin: unknown.

Labcorp Genetics (formerly Invitae), Labcorp
Classification: Likely pathogenic. Last evaluated: 2020-03-14. Review status: criteria provided, single submitter. Criteria: Invitae Variant Classification Sherloc (09022015). Collection method: clinical testing. Allele origin: germline.
Comment: Donor and acceptor splice site variants typically lead to a loss of protein function (PMID: 16199547), and loss-of-function variants in ABCC8 are known to be pathogenic (PMID: 20685672, 23345197). Algorithms developed to predict the effect of sequence changes on RNA splicing suggest that this variant may disrupt the consensus splice site, but this prediction has not been confirmed by published transcriptional studies. This variant has not been reported in the literature in individuals with ABCC8-related conditions. This variant is not present in population databases (ExAC no frequency). This sequence change affects a donor splice site in intron 1 of the ABCC8 gene. It is expected to disrupt RNA splicing and likely results in an absent or disrupted protein product. In summary, the currently available evidence indicates that the variant is pathogenic, but additional data are needed to prove that conclusively. Therefore, this variant has been classified as Likely Pathogenic.

Clinical Genomics, Uppaluri K&H Personalized Medicine Clinic
Classification: Uncertain significance for Maturity-onset diabetes of the young. Review status: criteria provided, single submitter. Criteria: K & H Uppaluri Personalized Medicine Clinic Variant Classification & Assertion Criteria_Updated V.1. Collection method: research. Allele origin: unknown. Inheritance: Somatic mutation.
Comment: Mutations in ABCC8 gene are associated with both neonatal diabetes mellitus as well as MODY. Patients with this mutation may have a better response to sulfonylureas. However, no sufficient evidence is found to ascertain the role of this particular variant (rs1554949176) in MODY yet.

Clinical Genomics, Uppaluri K&H Personalized Medicine Clinic
Classification: Uncertain significance for Transitory neonatal diabetes mellitus. Review status: criteria provided, single submitter. Criteria: K & H Uppaluri Personalized Medicine Clinic Variant Classification & Assertion Criteria_Updated V.1. Collection method: research. Allele origin: unknown. Inheritance: Somatic mutation.
Comment: Mutations in ABCC8 gene are associated with both neonatal diabetes mellitus as well as MODY. Patients with this mutation may have a better response to sulfonylureas. However, no sufficient evidence is found to ascertain the role of this particular variant (rs1554949176) in neonatal diabetes yet.

Natera, Inc.
Classification: Likely pathogenic for Hereditary hyperinsulinism. Last evaluated: 2020-10-29. Review status: no assertion criteria provided. Collection method: clinical testing. Allele origin: germline. Not counted in ClinVar's aggregate classification.

Literature cited by the submitters: PubMed 16199547 (cited by Labcorp Genetics (formerly Invitae), Labcorp); PubMed 20685672 (cited by Labcorp Genetics (formerly Invitae), Labcorp); PubMed 23345197 (cited by Labcorp Genetics (formerly Invitae), Labcorp); PubMed 16885549 (cited by Clinical Genomics, Uppaluri K&H Personalized Medicine Clinic); PubMed 21989597 (cited by Clinical Genomics, Uppaluri K&H Personalized Medicine Clinic); PubMed 27538677 (cited by Clinical Genomics, Uppaluri K&H Personalized Medicine Clinic); PubMed 18981553 (cited by Clinical Genomics, Uppaluri K&H Personalized Medicine Clinic); PubMed 32027066 (cited by Clinical Genomics, Uppaluri K&H Personalized Medicine Clinic); PubMed 16613899 (cited by Clinical Genomics, Uppaluri K&H Personalized Medicine Clinic); PubMed 18025408 (cited by Clinical Genomics, Uppaluri K&H Personalized Medicine Clinic); PubMed 32792356 (cited by Clinical Genomics, Uppaluri K&H Personalized Medicine Clinic).

NM_000352.6(ABCC8):c.148+2T>C

Gene: ABCC8 (ATP binding cassette subfamily C member 8; minus strand). Cytogenetic location: 11p15.1.
Variant type: single nucleotide variant.
Coding change: c.148+2T>C on transcript NM_000352.6 (MANE Select); the canonical splice donor site of the intron after coding-DNA position 148, T replaced by C.
Molecular consequence: splice donor variant.
Genome position (GRCh38, 1-based): chr11:17,476,627, A>G on the plus strand (T>C on the coding strand, the complement: ABCC8 is on the minus strand). VCF-style: chr11-17476627-A-G. GRCh37 (hg19) VCF-style: chr11-17498174-A-G.
Other names: c.148+2T>C (NM_001351297.2, NM_001351296.2, NM_001351295.2 and 1 more transcripts).
Identifiers: ClinVar variation 1067664 (VCV001067664.10), dbSNP rs1554949176, ClinGen allele CA379789722.